The following is an entry in ClinVar:

ClinVar aggregate classification (germline): Likely benign (1 of 4 stars; one submission).

gnomAD v4.1: 37 of 1,613,766 alleles (0.0023%); highest among the groups gnomAD compares: East Asian, 0.018%; 1 homozygote.

Submission:

CeGaT Center for Human Genetics Tuebingen
Classification: Likely benign. Last evaluated: 2025-05-01. Review status: criteria provided, single submitter. Criteria: CeGaT Center For Human Genetics Tuebingen Variant Classification Criteria Version 2. Collection method: clinical testing. Allele origin: germline. Affected: yes. Observed: 1 variant allele.
Comment: ADGRL1: BP4, BS2

NM_014921.5(ADGRL1):c.3520+3G>A

Genes: ADGRL1 (adhesion G protein-coupled receptor L1; minus strand), ADGRL1-AS1 (ADGRL1 antisense RNA 1; plus strand). Cytogenetic location: 19p13.12.
Variant type: single nucleotide variant.
Coding change: c.3520+3G>A on transcript NM_014921.5 (MANE Select); 3 bases into the intron after coding-DNA position 3520, G replaced by A.
Molecular consequence: intron variant.
Genome position (GRCh38, 1-based): chr19:14,152,514, C>T on the plus strand (G>A on the coding strand, the complement: ADGRL1 is on the minus strand). VCF-style: chr19-14152514-C-T. GRCh37 (hg19) VCF-style: chr19-14263326-C-T.
Other names: c.3535+3G>A (NM_001008701.3).
Identifiers: ClinVar variation 3905484 (VCV003905484.10).
Genomic context (GRCh38, chr19:14,152,514, plus strand): 5'-AGGTCACAAGGCAGCCGGGAGCCTCCAGAGACTGAAGCCAGAGGCAGAAGGATGCCTTCT[C>T]ACCTCGGTTCAGGGTGGGGGTGCTGTTGATGTCACCCGCCATGAAGGAGGACTCCGTCTG-3'